The following is an entry in ClinVar:

NM_133259.4(LRPPRC):c.2897-300T>G

Gene: LRPPRC (leucine rich pentatricopeptide repeat containing; minus strand). Cytogenetic location: 2p21.
Variant type: single nucleotide variant.
Coding change: c.2897-300T>G on transcript NM_133259.4 (MANE Select); 300 bases into the intron before coding-DNA position 2897, T replaced by G.
Molecular consequence: intron variant.
Genome position (GRCh38, 1-based): chr2:43,918,698, A>C on the plus strand (T>G on the coding strand, the complement: LRPPRC is on the minus strand). VCF-style: chr2-43918698-A-C. GRCh37 (hg19) VCF-style: chr2-44145837-A-C.
Identifiers: ClinVar variation 684324 (VCV000684324.1), dbSNP rs62138273, ClinGen allele CA46442008.

ClinVar aggregate classification (germline): Benign (1 of 4 stars; one submission).

Allele frequency attached by ClinVar (database versions not stated): 1000 Genomes Project 30x 0.04872; 1000 Genomes Project 0.05371; TOPMed 0.06352; gnomAD 0.06686 and 0.06851.
gnomAD v4.1: 10,431 of 151,240 alleles (6.9%); highest among the groups gnomAD compares: South Asian, 14%; 510 homozygotes.

Submission:

GeneDx
Classification: Benign. Last evaluated: 2018-06-14. Review status: criteria provided, single submitter. Criteria: GeneDx Variant Classification (06012015). Collection method: clinical testing. Allele origin: germline. Affected: yes.
Comment: This variant is considered likely benign or benign based on one or more of the following criteria: it is a conservative change, it occurs at a poorly conserved position in the protein, it is predicted to be benign by multiple in silico algorithms, and/or has population frequency not consistent with disease.